The following is an entry in ClinVar:

NM_001031709.3(RNLS):c.649A>G (p.Ser217Gly)

Gene: RNLS (renalase, FAD dependent amine oxidase; minus strand). Cytogenetic location: 10q23.31.
Variant type: single nucleotide variant.
Coding change: c.649A>G on transcript NM_001031709.3 (MANE Select); coding-DNA position 649, A replaced by G.
Protein change: p.Ser217Gly; replaces serine 217 with glycine.
Molecular consequence: missense variant.
Genome position (GRCh38, 1-based): chr10:88,362,603, T>C on the plus strand (A>G on the coding strand, the complement: RNLS is on the minus strand). VCF-style: chr10-88362603-T-C. GRCh37 (hg19) VCF-style: chr10-90122360-T-C.
Other names: c.649A>G (NM_001031709.2); c.649A>G, p.Ser217Gly (NM_018363.4); short protein forms S217G.
Identifiers: ClinVar variation 2056616 (VCV002056616.5), dbSNP rs151245420, ClinGen allele CA5590432.
Genomic context (GRCh38, chr10:88,362,603, plus strand): 5'-GGTACTGACCTATATTGCGCTTCTTATTATCAATGGAGACGAAGCGTATGCAGGGATTAC[T>C]GGTGATGTACTGCCCAGCCCAAGGGACATCAATCTTCGTACCAGCTTCATAAAAGAGGCC-3'
Protein context (NP_001026879.2, residues 207-227): DVPWAGQYIT[Ser217Gly]NPCIRFVSID

ClinVar aggregate classification (germline): Uncertain significance. Review status: criteria provided, multiple submitters, no conflicts (2 of 4 stars). 2 submissions from 2 submitters: Uncertain significance (2). Last evaluated 2025-10-23.

Allele frequency attached by ClinVar (database versions not stated): gnomAD exomes 0.00004; ExAC 0.00011; gnomAD 0.00033; ESP Exome Variant Server 0.00038; TOPMed 0.00040; 1000 Genomes Project 0.00060; 1000 Genomes Project 30x 0.00078.
gnomAD v4.1: 113 of 1,613,916 alleles (0.007%); highest among the groups gnomAD compares: African/African-American, 0.14%; no homozygotes.

Submissions (2):

Ambry Genetics
Classification: Uncertain significance. Last evaluated: 2025-10-23. Review status: criteria provided, single submitter. Criteria: Ambry Variant Classification Scheme 2023. Collection method: clinical testing. Allele origin: germline.

Labcorp Genetics (formerly Invitae), Labcorp
Classification: Uncertain significance. Last evaluated: 2025-02-06. Review status: criteria provided, single submitter. Criteria: Invitae Variant Classification Sherloc (09022015). Collection method: clinical testing. Allele origin: germline.
Comment: This sequence change replaces serine, which is neutral and polar, with glycine, which is neutral and non-polar, at codon 217 of the RNLS protein (p.Ser217Gly). This variant is present in population databases (rs151245420, gnomAD 0.1%), and has an allele count higher than expected for a pathogenic variant. This variant has not been reported in the literature in individuals affected with RNLS-related conditions. ClinVar contains an entry for this variant (Variation ID: 2056616). An algorithm developed to predict the effect of missense changes on protein structure and function outputs the following: PolyPhen-2: "Benign". The glycine amino acid residue is found in multiple mammalian species, which suggests that this missense change does not adversely affect protein function. In summary, the available evidence is currently insufficient to determine the role of this variant in disease. Therefore, it has been classified as a Variant of Uncertain Significance.